The following is an entry in ClinVar:

ClinVar aggregate classification (germline): Uncertain significance. Review status: criteria provided, multiple submitters, no conflicts (2 of 4 stars). 3 submissions from 3 submitters: Uncertain significance (3). Last evaluated 2025-07-29.

Conditions:
Encephalopathy, acute, infection-induced (herpes-specific), susceptibility to, 1. Also called: Herpes simplex encephalitis, susceptibility to, 1. Identifiers: Orphanet 1930, MedGen C2750180, MONDO:0024563, OMIM 610551.
TLR3-related disorder. Also called: TLR3-related condition.

Allele frequency attached by ClinVar (database versions not stated): gnomAD 0.00004; TOPMed 0.00003.
gnomAD v4.1: 143 of 1,613,724 alleles (0.0089%); highest among the groups gnomAD compares: Middle Eastern, 0.016%; no homozygotes.

Submissions (3):

Labcorp Genetics (formerly Invitae), Labcorp
Classification: Uncertain significance for Encephalopathy, acute, infection-induced (herpes-specific), susceptibility to, 1. Last evaluated: 2025-07-29. Review status: criteria provided, single submitter. Criteria: Invitae Variant Classification Sherloc (09022015). Collection method: clinical testing. Allele origin: germline.
Comment: This sequence change replaces glycine, which is neutral and non-polar, with arginine, which is basic and polar, at codon 320 of the TLR3 protein (p.Gly320Arg). This variant is present in population databases (rs554658931, gnomAD 0.004%). This variant has not been reported in the literature in individuals affected with TLR3-related conditions. ClinVar contains an entry for this variant (Variation ID: 537919). An algorithm developed to predict the effect of missense changes on protein structure and function (PolyPhen-2) suggests that this variant is likely to be disruptive. In summary, the available evidence is currently insufficient to determine the role of this variant in disease. Therefore, it has been classified as a Variant of Uncertain Significance.

PreventionGenetics, part of Exact Sciences
Classification: Uncertain significance for TLR3-related condition. Last evaluated: 2025-05-20. Review status: criteria provided, single submitter. Criteria: ACMG Guidelines, 2015. Collection method: clinical testing. Allele origin: germline.
Comment: The TLR3 c.958G>A variant is predicted to result in the amino acid substitution p.Gly320Arg. To our knowledge, this variant has not been reported in the literature. This variant is reported in 0.0044% of alleles in individuals of European (Non-Finnish) descent in gnomAD. At this time, the clinical significance of this variant is uncertain due to the absence of conclusive functional and genetic evidence.

Ambry Genetics
Classification: Uncertain significance. Last evaluated: 2024-10-01. Review status: criteria provided, single submitter. Criteria: Ambry Variant Classification Scheme 2023. Collection method: clinical testing. Allele origin: germline.

NM_003265.3(TLR3):c.958G>A (p.Gly320Arg)

Gene: TLR3 (toll like receptor 3; plus strand). Cytogenetic location: 4q35.1.
Variant type: single nucleotide variant.
Coding change: c.958G>A on transcript NM_003265.3 (MANE Select); coding-DNA position 958, G replaced by A.
Protein change: p.Gly320Arg; replaces glycine 320 with arginine.
Molecular consequence: missense variant.
Genome position (GRCh38, 1-based): chr4:186,082,644, G>A. VCF-style: chr4-186082644-G-A. GRCh37 (hg19) VCF-style: chr4-187003798-G-A.
Other names: short protein forms G320R.
Identifiers: ClinVar variation 537919 (VCV000537919.14), dbSNP rs554658931, ClinGen allele CA112097827.